The following is an entry in ClinVar:

ClinVar aggregate classification (germline): Conflicting classifications of pathogenicity. Review status: criteria provided, conflicting classifications (1 of 4 stars). 7 submissions from 7 submitters: Uncertain significance (6); Likely benign (1). Last evaluated 2025-07-11.

Conditions:
Cardiovascular phenotype. Identifiers: MedGen CN230736.
Cutis laxa, autosomal recessive, type 1B (ARCL1B). Also called: CUTIS LAXA, AUTOSOMAL RECESSIVE, TYPE IB; EFEMP2-Related Cutis Laxa. Identifiers: Orphanet 90349, MedGen C3280798, MONDO:0013754, OMIM 614437. Disease mechanism: loss of function.
Familial thoracic aortic aneurysm and aortic dissection (TAAD). Also called: Thoracic aortic aneurysms and dissections. Identifiers: Orphanet 91387, MedGen C4707243, MONDO:0019625.

Allele frequency attached by ClinVar (database versions not stated): gnomAD 0.00004 and 0.00006; gnomAD exomes 0.00005; TOPMed 0.00005; ExAC 0.00006.

Submissions (7):

Women's Health and Genetics/Laboratory Corporation of America, LabCorp
Classification: Uncertain significance. Last evaluated: 2025-07-11. Review status: criteria provided, single submitter. Criteria: LabCorp Variant Classification Summary - May 2015. Collection method: clinical testing. Allele origin: germline.

Ambry Genetics
Classification: Uncertain significance for Cardiovascular phenotype. Last evaluated: 2025-06-17. Review status: criteria provided, single submitter. Criteria: Ambry Variant Classification Scheme 2023. Collection method: clinical testing. Allele origin: germline.
Comment: The p.G210R variant (also known as c.628G>A), located in coding exon 6 of the EFEMP2 gene, results from a G to A substitution at nucleotide position 628. The glycine at codon 210 is replaced by arginine, an amino acid with dissimilar properties. This amino acid position is well conserved in available vertebrate species. In addition, this alteration is predicted to be deleterious by in silico analysis. Since supporting evidence is limited at this time, the clinical significance of this alteration remains unclear.

Blueprint Genetics
Classification: Uncertain significance. Last evaluated: 2024-03-06. Review status: criteria provided, single submitter. Criteria: ACMG Guidelines, 2015. Collection method: clinical testing. Allele origin: germline.

CHEO Genetics Diagnostic Laboratory, Children's Hospital of Eastern Ontario
Classification: Uncertain significance for Familial thoracic aortic aneurysm and aortic dissection. Last evaluated: 2023-02-23. Review status: criteria provided, single submitter. Criteria: ACMG Guidelines, 2015. Collection method: clinical testing. Allele origin: germline.

CeGaT Center for Human Genetics Tuebingen
Classification: Uncertain significance. Last evaluated: 2022-09-01. Review status: criteria provided, single submitter. Criteria: CeGaT Center For Human Genetics Tuebingen Variant Classification Criteria Version 2. Collection method: clinical testing. Allele origin: germline. Affected: yes. Observed: 1 variant allele.
Comment: EFEMP2: PM2, PP3

Labcorp Genetics (formerly Invitae), Labcorp
Classification: Uncertain significance for Cutis laxa, autosomal recessive, type 1B. Last evaluated: 2022-08-06. Review status: criteria provided, single submitter. Criteria: Invitae Variant Classification Sherloc (09022015). Collection method: clinical testing. Allele origin: germline.
Comment: This sequence change replaces glycine, which is neutral and non-polar, with arginine, which is basic and polar, at codon 210 of the EFEMP2 protein (p.Gly210Arg). This variant is present in population databases (rs546162289, gnomAD 0.02%). This variant has not been reported in the literature in individuals affected with EFEMP2-related conditions. ClinVar contains an entry for this variant (Variation ID: 838688). Algorithms developed to predict the effect of missense changes on protein structure and function (SIFT, PolyPhen-2, Align-GVGD) all suggest that this variant is likely to be disruptive. In summary, the available evidence is currently insufficient to determine the role of this variant in disease. Therefore, it has been classified as a Variant of Uncertain Significance.

GeneDx
Classification: Likely benign. Last evaluated: 2020-07-14. Review status: criteria provided, single submitter. Criteria: GeneDx Variant Classification Process June 2021. Collection method: clinical testing. Allele origin: germline. Affected: yes.

NM_016938.5(EFEMP2):c.628G>A (p.Gly210Arg)

Gene: EFEMP2 (EGF-like fibulin extracellular matrix protein 2; minus strand). Cytogenetic location: 11q13.1.
Variant type: single nucleotide variant.
Coding change: c.628G>A on transcript NM_016938.5 (MANE Select); coding-DNA position 628, G replaced by A.
Protein change: p.Gly210Arg; replaces glycine 210 with arginine.
Molecular consequence: missense variant. On other transcripts: non-coding transcript variant (1).
Genome position (GRCh38, 1-based): chr11:65,869,956, C>T on the plus strand (G>A on the coding strand, the complement: EFEMP2 is on the minus strand). VCF-style: chr11-65869956-C-T. GRCh37 (hg19) VCF-style: chr11-65637427-C-T.
Other names: short protein forms G210R.
Identifiers: ClinVar variation 838688 (VCV000838688.45), dbSNP rs546162289, ClinGen allele CA6110574.